The following is an entry in ClinVar:

ClinVar aggregate classification (germline): Uncertain significance (1 of 4 stars; one submission).

Conditions:
Cardiomyopathy (CMYO). Also called: Cardiomyopathies. Identifiers: Orphanet 167848, MedGen C0878544, MONDO:0004994, HP:0001638. Inheritance: Various modes of inheritance.

Submission:

Color Diagnostics, LLC DBA Color Health
Classification: Uncertain significance for Cardiomyopathy. Last evaluated: 2025-09-05. Review status: criteria provided, single submitter. Criteria: ACMG Guidelines, 2015. Collection method: clinical testing. Allele origin: germline.
Comment: This missense variant replaces glutamine with glutamic acid at codon 3230 of the RYR2 protein. Computational prediction suggests that this variant may not impact protein structure and function. To our knowledge, functional studies have not been reported for this variant. This variant has not been reported in individuals affected with RYR2-related disorders in the literature. This variant has not been identified in the general population by the Genome Aggregation Database (gnomAD). The available evidence is insufficient to determine the role of this variant in disease conclusively. Therefore, this variant is classified as a Variant of Uncertain Significance.

NM_001035.3(RYR2):c.9688C>G (p.Gln3230Glu)

Gene: RYR2 (ryanodine receptor 2; plus strand). Cytogenetic location: 1q43.
Variant type: single nucleotide variant.
Coding change: c.9688C>G on transcript NM_001035.3 (MANE Select); coding-DNA position 9688, C replaced by G.
Protein change: p.Gln3230Glu; replaces glutamine 3230 with glutamic acid.
Molecular consequence: missense variant.
Genome position (GRCh38, 1-based): chr1:237,707,056, C>G. VCF-style: chr1-237707056-C-G. GRCh37 (hg19) VCF-style: chr1-237870356-C-G.
Other names: short protein forms Q3230E.
Identifiers: ClinVar variation 4757992 (VCV004757992.1).